The following is an entry in ClinVar:

NM_001399.5(EDA):c.662G>A (p.Gly221Asp)

Gene: EDA (ectodysplasin A; plus strand). Cytogenetic location: Xq13.1.
Variant type: single nucleotide variant.
Coding change: c.662G>A on transcript NM_001399.5 (MANE Select); coding-DNA position 662, G replaced by A.
Protein change: p.Gly221Asp; replaces glycine 221 with aspartic acid.
Molecular consequence: missense variant.
Genome position (GRCh38, 1-based): chrX:70,027,992, G>A. VCF-style: chrX-70027992-G-A. GRCh37 (hg19) VCF-style: chrX-69247842-G-A.
Other names: c.662G>A, p.Gly221Asp (NM_001005609.2, NM_001005612.3); short protein forms G221D.
Identifiers: ClinVar variation 2737243 (VCV002737243.3), dbSNP rs2520335192, ClinGen allele CA413448448.
Genomic context (GRCh38, chrX:70,027,992, plus strand): 5'-GAATTCCAGGGATTCCTGGAATTCCAGGAACAACTGTTATGGGACCACCTGGTCCTCCAG[G>A]TCCTCCTGGTCCTCAAGGACCCCCTGGCCTCCAGGGACCTTCTGGTGAGTTCCCCTGTCT-3'
Protein context (NP_001390.1, residues 211-231): TTVMGPPGPP[Gly221Asp]PPGPQGPPGL

ClinVar aggregate classification (germline): Pathogenic (1 of 4 stars; one submission).

Conditions:
Hypohidrotic X-linked ectodermal dysplasia (XHED). Also called: Ectodermal Dysplasia 1, Anhidrotic; Anhidrotic ectodermal dysplasia X-linked; Christ Siemens Touraine syndrome; ECTODERMAL DYSPLASIA 1; Christ-Siemans-Touraine syndrome; ECTODERMAL DYSPLASIA 1, HYPOHIDROTIC, X-LINKED. Identifiers: Orphanet 181, Orphanet 238468, MedGen C0162359, MONDO:0010585, OMIM 305100.

Submission:

Labcorp Genetics (formerly Invitae), Labcorp
Classification: Pathogenic for Hypohidrotic X-linked ectodermal dysplasia. Last evaluated: 2023-10-24. Review status: criteria provided, single submitter. Criteria: Invitae Variant Classification Sherloc (09022015). Collection method: clinical testing. Allele origin: germline.
Comment: This sequence change replaces glycine, which is neutral and non-polar, with aspartic acid, which is acidic and polar, at codon 221 of the EDA protein (p.Gly221Asp). This variant is not present in population databases (gnomAD no frequency). This missense change has been observed in individual(s) with clinical features of hypohidrotic ectodermal dysplasia (PMID: 27657131; Invitae). In at least one individual the variant was observed to be de novo. Advanced modeling of protein sequence and biophysical properties (such as structural, functional, and spatial information, amino acid conservation, physicochemical variation, residue mobility, and thermodynamic stability) performed at Invitae indicates that this missense variant is expected to disrupt EDA protein function with a positive predictive value of 95%. For these reasons, this variant has been classified as Pathogenic.

Literature cited by the submitters: PubMed 27657131.